The following is an entry in ClinVar:

NM_003172.4(SURF1):c.-11_13del (p.Met1_Ala5del)

Gene: SURF1 (SURF1 cytochrome c oxidase assembly factor; minus strand). Cytogenetic location: 9q34.2.
Variant type: Deletion.
Coding change: c.-11_13del on transcript NM_003172.4 (MANE Select); 11 bases upstream of the start codon through coding-DNA position 13, 24 bases deleted (GGCCGGGTGCGATGGCGGCGGTGG).
Protein change: p.Met1_Ala5del.
Molecular consequence: inframe deletion, initiator codon variant. On other transcripts: 5 prime UTR variant (1).
Genome position (GRCh38, 1-based): chr9:133,356,441-133,356,464, CCACCGCCGCCATCGCACCCGGCC deleted on the plus strand (GGCCGGGTGCGATGGCGGCGGTGG on the coding strand, the reverse complement: SURF1 is on the minus strand); deleting any 24 consecutive bases within chr9:133,356,441-133,356,466 gives the same sequence; the c. name uses the placement nearest the transcript's 3' end. VCF-style (leftmost placement, unchanged base first): chr9-133356440-GCCACCGCCGCCATCGCACCCGGCC-G. GRCh37 (hg19) VCF-style: chr9-136223316-GCCACCGCCGCCATCGCACCCGGCC-G.
Other names: p.?; c.-286_-263del (NM_001280787.1).
Identifiers: ClinVar variation 215241 (VCV000215241.14), dbSNP rs863224229, ClinGen allele CA323641.

ClinVar aggregate classification (germline): Pathogenic/Likely pathogenic. Review status: criteria provided, multiple submitters, no conflicts (2 of 4 stars). 7 submissions from 7 submitters: Pathogenic (4); Likely pathogenic (2). 1 of the submissions does not count toward it. Last evaluated 2025-10-28.

Conditions:
Charcot-Marie-Tooth disease type 4K. Also called: CHARCOT-MARIE-TOOTH DISEASE, DEMYELINATING, AUTOSOMAL RECESSIVE, TYPE 4K; CHARCOT-MARIE-TOOTH NEUROPATHY, DEMYELINATING, AUTOSOMAL RECESSIVE, TYPE 4K; CHARCOT-MARIE-TOOTH DISEASE, DEMYELINATING, TYPE 4K. Identifiers: Orphanet 391351, MedGen C4225246, MONDO:0014733, OMIM 616684.
Mitochondrial complex IV deficiency, nuclear type 1 (MC4DN1). Also called: COX DEFICIENCY; Mitochondrial complex IV deficiency; Complex 4 mitochondrial respiratory chain deficiency; Deficiency of mitochondrial respiratory chain complex4; Complex IV deficiency. Identifiers: MedGen C5435656, MONDO:0700250, OMIM 220110. Disease mechanism: loss of function.
SURF1-related disorder. Also called: SURF1-related condition.
Leigh syndrome (NULS). Also called: Leigh's syndrome; Leigh Disease; Subacute necrotizing encephalopathy; Necrotizing encephalopathy infantile subacute of Leigh; LEIGH SYNDROME, NUCLEAR; Leigh's necrotizing encephalopathy. Identifiers: Orphanet 506, MedGen C2931891, MONDO:0009723, OMIM 256000.

Submissions (7):

Labcorp Genetics (formerly Invitae), Labcorp
Classification: Pathogenic for Leigh syndrome. Last evaluated: 2025-10-28. Review status: criteria provided, single submitter. Criteria: Invitae Variant Classification Sherloc (09022015). Collection method: clinical testing. Allele origin: germline.
Comment: This sequence change affects the initiator codon of the SURF1 mRNA. This change may impact translation initiation or efficiency. The next in-frame methionine is located at codon 110. This variant is not present in population databases (gnomAD no frequency). Disruption of the initiator codon has been observed in individual(s) with Leigh syndrome (PMID: 27756633). In at least one individual the data is consistent with being in trans (on the opposite chromosome) from a pathogenic variant. ClinVar contains an entry for this variant (Variation ID: 215241). Algorithms developed to predict the effect of variants on gene product structure and function are not available or were not evaluated for this variant. Experimental studies have shown that disruption of the initiator codon affects SURF1 function (PMID: 27756633). For these reasons, this variant has been classified as Pathogenic.

Mayo Clinic Laboratories, Mayo Clinic
Classification: Likely pathogenic. Last evaluated: 2024-11-13. Review status: criteria provided, single submitter. Criteria: ACMG Guidelines, 2015. Collection method: clinical testing. Allele origin: germline. Observed: 1 variant allele.
Comment: PP4, PM2_supporting, PM3, PVS1_moderate

Blueprint Genetics
Classification: Pathogenic for SURF1-related disorders. Last evaluated: 2024-06-25. Review status: criteria provided, single submitter. Criteria: ACMG Guidelines, 2015. Collection method: clinical testing. Allele origin: germline. Affected: yes. Observed: 1 variant allele.

Department of Pathology and Laboratory Medicine, Sinai Health System
Classification: Likely pathogenic for Mitochondrial complex IV deficiency, nuclear type 1. Last evaluated: 2023-02-26. Review status: criteria provided, single submitter. Criteria: ACMG Guidelines, 2015. Collection method: research. Allele origin: germline.

Fulgent Genetics
Classification: Pathogenic for Mitochondrial complex IV deficiency, nuclear type 1; Charcot-Marie-Tooth disease type 4K. Last evaluated: 2022-02-23. Review status: criteria provided, single submitter. Criteria: ACMG Guidelines, 2015. Collection method: clinical testing. Allele origin: unknown.

GeneDx
Classification: Pathogenic. Last evaluated: 2012-03-12. Review status: criteria provided, single submitter. Criteria: GeneDx Variant Classification (06012015). Collection method: clinical testing. Allele origin: germline. Affected: yes.
Comment: The c.-11_c.13delGGCCGGGTGCGATGGCGGCGGTGG mutation in the SURF1 gene is predicted to result in the loss of the initiator Methionine codon. As this mutation results in the deletion of the translation initiator codon, it is predicted to prevent protein translation, or if translation proceeded with an alternate methionine, would lead to an abnormal protein product. Although this mutation has not been reported previously to our knowledge, it is expected to be a disease-causing mutation. The variant is found in MITO24 panel(s).

Center for Neuroscience and Cell Biology, University of Coimbra, Portugal
Classification: Likely pathogenic for Leigh syndrome. Last evaluated: 2015-12-28. Review status: no assertion criteria provided. Collection method: research. Allele origin: maternal, unknown, paternal. Affected: yes and no. Observed: 2 heterozygotes, 1 compound heterozygote, 1 homozygote. Clinical features observed: Unilateral strabismus dysarthria, Ataxia, Kinetic tremor, Slight hypotonia, Acute deterioration with shock, coma, central apnea and ophthalmoparesis, after proctated vomiting, Moderate cerebellum atrophy in Magnetic Resonance Imaging, Sudden, non painful, loss of vision associated to retinal central vein thrombosis, Respiratory insufficiency with need for chronic mechanical ventilation in the sequence of an acute pharyngitis, Typical lesions observed of Leigh Syndrome in brain-MRI, Coma with respiratory acidosis, in the sequence of rhinopharyngitis and vomiting, Failure to thrive, strabismus and ataxia, with loss of motor milestones, and 2 more. Not counted in ClinVar's aggregate classification.

Literature cited by the submitters: PubMed 27756633 (cited by 3 submitters); PubMed 38111113 (cited by Mayo Clinic Laboratories, Mayo Clinic).